The following is an entry in ClinVar:

NM_022489.4(INF2):c.1275_1286del (p.Pro426_Leu429del)

Gene: INF2 (inverted formin 2; plus strand). Cytogenetic location: 14q32.33.
Variant type: Deletion.
Coding change: c.1275_1286del on transcript NM_022489.4 (MANE Select); coding-DNA positions 1275 to 1286, 12 bases deleted (ACCCCCACCCCT).
Protein change: p.Pro426_Leu429del.
Molecular consequence: inframe deletion.
Genome position (GRCh38, 1-based): chr14:104,707,542-104,707,553, ACCCCCACCCCT deleted. VCF-style (leftmost placement, unchanged base first): chr14-104707541-CACCCCCACCCCT-C. GRCh37 (hg19) VCF-style: chr14-105173878-CACCCCCACCCCT-C.
Other names: c.1275_1286del, p.Pro426_Leu429del (NM_001031714.4).
Identifiers: ClinVar variation 1969894 (VCV001969894.5), dbSNP rs1277754035, ClinGen allele CA616584670.

ClinVar aggregate classification (germline): Uncertain significance (1 of 4 stars; one submission).

Conditions:
Charcot-Marie-Tooth disease dominant intermediate E. Also called: CHARCOT-MARIE-TOOTH NEUROPATHY WITH FOCAL SEGMENTAL GLOMERULONEPHRITIS. Identifiers: Orphanet 93114, MedGen C4302667, MONDO:0013758, OMIM 614455.
Focal segmental glomerulosclerosis 5 (FSGS5). Identifiers: Orphanet 656, MedGen C2750475, MONDO:0013191, OMIM 613237.

Allele frequency attached by ClinVar (database versions not stated): gnomAD exomes below 0.00001; gnomAD 0.00002.

Submission:

Labcorp Genetics (formerly Invitae), Labcorp
Classification: Uncertain significance for Charcot-Marie-Tooth disease dominant intermediate E; Focal segmental glomerulosclerosis 5. Last evaluated: 2024-12-22. Review status: criteria provided, single submitter. Criteria: Invitae Variant Classification Sherloc (09022015). Collection method: clinical testing. Allele origin: germline.
Comment: This variant, c.1275_1286del, results in the deletion of 4 amino acid(s) of the INF2 protein (p.Pro426_Leu429del), but otherwise preserves the integrity of the reading frame. The frequency data for this variant in the population databases is considered unreliable, as metrics indicate poor data quality at this position in the gnomAD database. This variant has not been reported in the literature in individuals affected with INF2-related conditions. ClinVar contains an entry for this variant (Variation ID: 1969894). Experimental studies and prediction algorithms are not available or were not evaluated, and the functional significance of this variant is currently unknown. In summary, the available evidence is currently insufficient to determine the role of this variant in disease. Therefore, it has been classified as a Variant of Uncertain Significance.